The following is an entry in ClinVar:

NM_000038.6(APC):c.453del (p.Glu152fs)

Gene: APC (APC regulator of Wnt signaling pathway; plus strand). Cytogenetic location: 5q22.2.
Variant type: Deletion.
Coding change: c.453del on transcript NM_000038.6 (MANE Select); coding-DNA position 453, one base deleted (A; older notation c.453delA).
Protein change: p.Glu152fs; shifts the reading frame from glutamic acid 152.
Molecular consequence: frameshift variant. On other transcripts: 5 prime UTR variant (1).
Genome position (GRCh38, 1-based): chr5:112,775,659, A deleted; the last of 2 consecutive A bases (chr5:112,775,658-112,775,659); deleting either gives the same sequence. VCF-style (leftmost placement, unchanged base first): chr5-112775657-GA-G. GRCh37 (hg19) VCF-style: chr5-112111354-GA-G.
Other names: c.453del (NM_000038.5); c.453del, p.Glu152fs (NM_001127510.3, NM_001354895.2, NM_001354896.2 and 2 more transcripts); c.483del, p.Glu162fs (NM_001127511.3, NM_001354897.2, NM_001354902.2); c.378del, p.Glu127fs (NM_001354898.2, NM_001354904.2); c.276del, p.Glu93fs (NM_001354900.2, NM_001354901.2, NM_001354905.2); c.-583del (NM_001354906.2); short protein forms E127fs, E162fs, E93fs, E152fs.
Identifiers: ClinVar variation 216848 (VCV000216848.26), dbSNP rs863224820, ClinGen allele CA279814.

ClinVar aggregate classification (germline): Pathogenic. Review status: criteria provided, multiple submitters, no conflicts (2 of 4 stars). 7 submissions from 7 submitters: Pathogenic (5). 2 of the submissions do not count toward it. Last evaluated 2025-12-08.

Conditions:
Carcinoma of colon (CRC). Also called: Colon carcinoma; Colonic carcinoma. Identifiers: MedGen C0699790, MONDO:0002032.
Hereditary cancer-predisposing syndrome. Also called: Hereditary neoplastic syndrome; Tumor predisposition; Neoplastic Syndromes, Hereditary; Hereditary Cancer Syndrome. Identifiers: Orphanet 140162, MedGen C0027672, MeSH D009386, MONDO:0015356.
Familial adenomatous polyposis 1 (FAP1). Also called: POLYPOSIS, ADENOMATOUS INTESTINAL; FAMILIAL ADENOMATOUS POLYPOSIS 1, ATTENUATED. Identifiers: MedGen C2713442, MONDO:0021056, OMIM 175100. Disease mechanism: loss of function.

Submissions (7):

Labcorp Genetics (formerly Invitae), Labcorp
Classification: Pathogenic for Familial adenomatous polyposis 1. Last evaluated: 2025-12-08. Review status: criteria provided, single submitter. Criteria: Invitae Variant Classification Sherloc (09022015). Collection method: clinical testing. Allele origin: germline.
Comment: This sequence change creates a premature translational stop signal (p.Glu152Lysfs*18) in the APC gene. It is expected to result in an absent or disrupted protein product. Loss-of-function variants in APC are known to be pathogenic (PMID: 17963004, 20685668). This variant is not present in population databases (gnomAD no frequency). This premature translational stop signal has been observed in individual(s) with familial adenomatous polyposis and hepatoblastoma (PMID: 12702169, 20223039, 23575299, 23715166). ClinVar contains an entry for this variant (Variation ID: 216848). Algorithms developed to predict the effect of sequence changes on RNA splicing suggest that this variant may disrupt the consensus splice site. For these reasons, this variant has been classified as Pathogenic.

ARUP Laboratories, Molecular Genetics and Genomics, ARUP Laboratories
Classification: Pathogenic. Last evaluated: 2024-09-13. Review status: criteria provided, single submitter. Criteria: ARUP Molecular Germline Variant Investigation Process 2024. Collection method: clinical testing. Allele origin: germline.
Comment: The APC c.453delA; p.Glu152LysfsTer18 variant (rs863224820, ClinVar Variation ID: 216848) is reported in the literature in several individuals affected with familial adenomatous polyposis (Friedl 2005, Gupta 2013, Heinritz 2003, Pegues 2021, Yang 2018). This variant is absent from the Genome Aggregation Database (v2.1.1), indicating it is not a common polymorphism. This variant causes a frameshift by deleting a single nucleotide, so it is predicted to result in a truncated protein or mRNA subject to nonsense-mediated decay. Based on available information, this variant is considered to be pathogenic. Friedl W and Aretz S. Familial adenomatous polyposis: experience from a study of 1164 unrelated german polyposis patients. Hered Cancer Clin Pract. 2005 Sep 15;3(3):95-114. PMID: 20223039. Gupta A et al. Multifocal hepatic neoplasia in 3 children with APC gene mutation. Am J Surg Pathol. 2013 Jul;37(7):1058-66. PMID: 23715166. Heinritz W et al. Detection of five new mutations in the APC gene using denaturing high-performance liquid chromatography. Clin Genet. 2003 Apr;63(4):325-7. PMID: 12702169. Pegues J et al. Juvenile Nasopharyngeal Angiofibroma and Familial Adenomatous Polyposis. Ear Nose Throat J. 2021 Dec;100(10_suppl):1027S-1028S. PMID: 32543227. Yang A et al. Germline APC mutations in hepatoblastoma. Pediatr Blood Cancer. 2018 Apr;65(4). PMID: 29251405.

Ambry Genetics
Classification: Pathogenic for Hereditary cancer-predisposing syndrome. Last evaluated: 2023-04-27. Review status: criteria provided, single submitter. Criteria: Ambry Variant Classification Scheme 2023. Collection method: clinical testing. Allele origin: germline.
Comment: The c.453delA pathogenic mutation, located in coding exon 4 of the APC gene, results from a deletion of one nucleotide at nucleotide position 453, causing a translational frameshift with a predicted alternate stop codon (p.E152Kfs*18). This mutation has been detected in multiple patients with a clinical diagnosis of familial adenomatous polyposis (FAP) (Heinritz W et al. Clin. Genet. 2003 Apr; 63(4):325-7; Friedl W and Aretz S. Hered Cancer Clin Pract. 2005 Sep; 3(3):95-114; Mankaney G et al. Fam. Cancer. 2017 Feb; Pegues J et al. Ear Nose Throat J, 2020 Jun;:145561320934602). In addition to the clinical data presented in the literature, this alteration is expected to result in loss of function by premature protein truncation or nonsense-mediated mRNA decay. As such, this alteration is interpreted as a disease-causing mutation.

Myriad Genetics, Inc.
Classification: Pathogenic for Familial adenomatous polyposis 1. Last evaluated: 2023-04-26. Review status: criteria provided, single submitter. Criteria: Myriad Autosomal Dominant, Autosomal Recessive and X-Linked Classification Criteria (2023). Collection method: clinical testing. Allele origin: unknown.
Comment: This variant is considered pathogenic. This variant creates a frameshift predicted to result in premature protein truncation.

GeneDx
Classification: Pathogenic. Last evaluated: 2021-12-06. Review status: criteria provided, single submitter. Criteria: GeneDx Variant Classification Process June 2021. Collection method: clinical testing. Allele origin: germline. Affected: yes.
Comment: Frameshift variant predicted to result in protein truncation or nonsense mediated decay in a gene for which loss-of-function is a known mechanism of disease; Not observed at significant frequency in large population cohorts (Lek 2016); This variant is associated with the following publications: (PMID: 12702169, 28185118, 20223039, 29251405, 23575299, 32543227, 23715166)

Department of Pathology and Laboratory Medicine, Sinai Health System
Classification: Pathogenic for Carcinoma of colon. Review status: no assertion criteria provided. Collection method: clinical testing. Allele origin: unknown. Affected: yes. Study: The Canadian Open Genetics Repository (COGR). Not counted in ClinVar's aggregate classification.
Comment: The APC p.Glu152LysfsX18 variant was identified in 3 of 3892 proband chromosomes (frequency: 0.0008) from individuals or families with FAP (Friedl_2005, Heinitz_2003, Mankay_2017). The variant was also identified in the following databases: dbSNP (ID: rs863224820) as â€šÃ„ÃºWith Pathogenic alleleâ€šÃ„Ã¹, and in ClinVar (4x as pathogenic by Invitae, GeneDx, Ambry Genetics, Mayo Clinic, criteria provided). The variant was not identified in Cosmic, MutDB, LOVD 3.0, UMD-LSDB, Zhejiang Colon Cancer Database, databases. The variant was not identified in the following control databases: the 1000 Genomes Project, the NHLBI GO Exome Sequencing Project, the Exome Aggregation Consortium (August 8th 2016), or the Genome Aggregation Database (Feb 27, 2017). The p.Glu152LysfsX18 variant was identified in a patient as co-occurring with a different germline missense variant E1317Q (Heinitz_2003). The c.453del variant is predicted to cause a frameshift, which alters the protein's amino acid sequence beginning at codon 152 and leads to a premature stop codon 18 codons downstream. This alteration is then predicted to result in a truncated or absent protein and loss of function. Loss of function variants of the APC gene are an established mechanism of disease in FAP and is the type of variant expected to cause the disorder. In summary, based on the above information this variant meets our laboratoryâ€šÃ„Ã´s criteria to be classified as pathogenic.

Mayo Clinic Laboratories, Mayo Clinic
Classification: Pathogenic. Review status: no assertion criteria provided. Collection method: research. Allele origin: unknown. Observed: 1 variant allele. Not counted in ClinVar's aggregate classification.

Literature cited by the submitters: PubMed 17963004 (cited by Labcorp Genetics (formerly Invitae), Labcorp); PubMed 20685668 (cited by Labcorp Genetics (formerly Invitae), Labcorp); PubMed 12702169 (cited by Labcorp Genetics (formerly Invitae), Labcorp and Ambry Genetics); PubMed 20223039 (cited by Labcorp Genetics (formerly Invitae), Labcorp and Ambry Genetics); PubMed 23575299 (cited by Labcorp Genetics (formerly Invitae), Labcorp and Ambry Genetics); PubMed 23715166 (cited by Labcorp Genetics (formerly Invitae), Labcorp and Ambry Genetics); PubMed 28185118 (cited by Ambry Genetics); PubMed 32543227 (cited by Ambry Genetics).